The following is an entry in ClinVar:

ClinVar aggregate classification (germline): Uncertain significance. Review status: criteria provided, multiple submitters, no conflicts (2 of 4 stars). 3 submissions from 3 submitters: Uncertain significance (3). Last evaluated 2024-01-03.

Conditions:
Cardiomyopathy (CMYO). Also called: Cardiomyopathies. Identifiers: Orphanet 167848, MedGen C0878544, MONDO:0004994, HP:0001638. Inheritance: Various modes of inheritance.
Hypertrophic cardiomyopathy. Also called: HYPERTROPHIC MYOCARDIOPATHY. Identifiers: Orphanet 217569, MedGen C0007194, MeSH D002312, MONDO:0005045, HP:0001639.

Allele frequency attached by ClinVar (database versions not stated): gnomAD exomes 0.00002 and 0.00003; gnomAD 0.00007 and 0.00008; TOPMed 0.00008.
gnomAD v4.1: 20 of 1,614,024 alleles (0.0012%); highest among the groups gnomAD compares: Admixed American, 0.032%; no homozygotes.

Submissions (3):

Color Diagnostics, LLC DBA Color Health
Classification: Uncertain significance for Cardiomyopathy. Last evaluated: 2024-01-03. Review status: criteria provided, single submitter. Criteria: ACMG Guidelines, 2015. Collection method: clinical testing. Allele origin: germline.
Comment: This missense variant replaces proline with serine at codon 81 of the MYH7 protein. Computational prediction tools indicate that this variant has a deleterious impact on protein structure and function. To our knowledge, functional studies have not been reported for this variant. This variant has been reported in one individual affected with dilated cardiomyopathy (PMID: 21750094). This variant has been identified in 7/251456 chromosomes in the general population by the Genome Aggregation Database (gnomAD). The available evidence is insufficient to determine the role of this variant in disease conclusively. Therefore, this variant is classified as a Variant of Uncertain Significance.

GeneDx
Classification: Uncertain significance. Last evaluated: 2023-08-09. Review status: criteria provided, single submitter. Criteria: GeneDx Variant Classification Process June 2021. Collection method: clinical testing. Allele origin: germline. Affected: yes.
Comment: Reported in a patient with dilated cardiomyopathy in the published literature (Waldmuller et al., 2011); In silico analysis supports that this missense variant has a deleterious effect on protein structure/function; This variant is associated with the following publications: (PMID: 21750094)

Labcorp Genetics (formerly Invitae), Labcorp
Classification: Uncertain significance for Hypertrophic cardiomyopathy. Last evaluated: 2022-03-03. Review status: criteria provided, single submitter. Criteria: Invitae Variant Classification Sherloc (09022015). Collection method: clinical testing. Allele origin: germline.
Comment: In summary, the available evidence is currently insufficient to determine the role of this variant in disease. Therefore, it has been classified as a Variant of Uncertain Significance. Algorithms developed to predict the effect of missense changes on protein structure and function are either unavailable or do not agree on the potential impact of this missense change (SIFT: "Deleterious"; PolyPhen-2: "Probably Damaging"; Align-GVGD: "Class C0"). ClinVar contains an entry for this variant (Variation ID: 952611). This missense change has been observed in individual(s) with dilated cardiomyopathy or hypertrophic cardiomyopathy (PMID: 21750094). This variant is present in population databases (no rsID available, gnomAD 0.02%). This sequence change replaces proline, which is neutral and non-polar, with serine, which is neutral and polar, at codon 81 of the MYH7 protein (p.Pro81Ser).

Literature cited by the submitters: PubMed 21750094 (cited by Color Diagnostics, LLC DBA Color Health and Labcorp Genetics (formerly Invitae), Labcorp).

NM_000257.4(MYH7):c.241C>T (p.Pro81Ser)

Gene: MYH7 (myosin heavy chain 7; minus strand). Cytogenetic location: 14q11.2.
Variant type: single nucleotide variant.
Coding change: c.241C>T on transcript NM_000257.4 (MANE Select); coding-DNA position 241, C replaced by T.
Protein change: p.Pro81Ser; replaces proline 81 with serine.
Molecular consequence: missense variant.
Genome position (GRCh38, 1-based): chr14:23,433,188, G>A on the plus strand (C>T on the coding strand, the complement: MYH7 is on the minus strand). VCF-style: chr14-23433188-G-A. GRCh37 (hg19) VCF-style: chr14-23902397-G-A.
Other names: short protein forms P81S.
Identifiers: ClinVar variation 952611 (VCV000952611.14), dbSNP rs1489940065, ClinGen allele CA389053384.